The following is an entry in ClinVar:

ClinVar aggregate classification (germline): Benign (1 of 4 stars; one submission).

Conditions:
Colorectal cancer, susceptibility to, 1. Also called: COLORECTAL ADENOMA AND CANCER, SUSCEPTIBILITY TO; COLORECTAL CANCER, SUSCEPTIBILITY TO, ON CHROMOSOME 9. Identifiers: MedGen C1837315, MONDO:0012132, OMIM 608812.

Submission:

Myriad Genetics, Inc.
Classification: Benign for Colorectal cancer, susceptibility to, 1. Last evaluated: 2026-04-28. Review status: criteria provided, single submitter. Criteria: Myriad Autosomal Dominant, Autosomal Recessive and X-Linked Classification Criteria (2023). Collection method: clinical testing. Allele origin: unknown.
Comment: This variant is considered benign. This variant occurs in the non-coding 3' untranslated region of the gene and is not expected to impact protein function.

NM_024642.5(GALNT12):c.*1A>C

Gene: GALNT12 (polypeptide N-acetylgalactosaminyltransferase 12; plus strand). Cytogenetic location: 9q22.33.
Variant type: single nucleotide variant.
Coding change: c.*1A>C on transcript NM_024642.5 (MANE Select); 1 bases downstream of the stop codon, A replaced by C.
Molecular consequence: 3 prime UTR variant.
Genome position (GRCh38, 1-based): chr9:98,849,093, A>C. VCF-style: chr9-98849093-A-C. GRCh37 (hg19) VCF-style: chr9-101611375-A-C.
Identifiers: ClinVar variation 4875968 (VCV004875968.1).